The following is an entry in ClinVar:

ClinVar aggregate classification (germline): Uncertain significance. Review status: criteria provided, multiple submitters, no conflicts (2 of 4 stars). 2 submissions from 2 submitters: Uncertain significance (2). Last evaluated 2024-09-06.

Conditions:
Hereditary cancer-predisposing syndrome. Also called: Hereditary Cancer Syndrome; Hereditary neoplastic syndrome; Tumor predisposition; Neoplastic Syndromes, Hereditary. Identifiers: Orphanet 140162, MedGen C0027672, MeSH D009386, MONDO:0015356.

Submissions (2):

Ambry Genetics
Classification: Uncertain significance for Hereditary cancer-predisposing syndrome. Last evaluated: 2024-09-06. Review status: criteria provided, single submitter. Criteria: Ambry Variant Classification Scheme 2023. Collection method: clinical testing. Allele origin: germline.
Comment: The p.R220C variant (also known as c.658C>T), located in coding exon 2 of the HOXB13 gene, results from a C to T substitution at nucleotide position 658. The arginine at codon 220 is replaced by cysteine, an amino acid with highly dissimilar properties. This amino acid position is highly conserved in available vertebrate species. In addition, this alteration is predicted to be deleterious by in silico analysis. Based on the available evidence, the clinical significance of this variant remains unclear.

Labcorp Genetics (formerly Invitae), Labcorp
Classification: Uncertain significance. Last evaluated: 2023-09-04. Review status: criteria provided, single submitter. Criteria: Invitae Variant Classification Sherloc (09022015). Collection method: clinical testing. Allele origin: germline.
Comment: In summary, the available evidence is currently insufficient to determine the role of this variant in disease. Therefore, it has been classified as a Variant of Uncertain Significance. Advanced modeling of protein sequence and biophysical properties (such as structural, functional, and spatial information, amino acid conservation, physicochemical variation, residue mobility, and thermodynamic stability) performed at Invitae indicates that this missense variant is expected to disrupt HOXB13 protein function. ClinVar contains an entry for this variant (Variation ID: 1399591). This variant has not been reported in the literature in individuals affected with HOXB13-related conditions. This variant is not present in population databases (gnomAD no frequency). This sequence change replaces arginine, which is basic and polar, with cysteine, which is neutral and slightly polar, at codon 220 of the HOXB13 protein (p.Arg220Cys).

NM_006361.6(HOXB13):c.658C>T (p.Arg220Cys)

Gene: HOXB13 (homeobox B13; minus strand). Cytogenetic location: 17q21.32.
Variant type: single nucleotide variant.
Coding change: c.658C>T on transcript NM_006361.6 (MANE Select); coding-DNA position 658, C replaced by T.
Protein change: p.Arg220Cys; replaces arginine 220 with cysteine.
Molecular consequence: missense variant.
Genome position (GRCh38, 1-based): chr17:48,726,987, G>A on the plus strand (C>T on the coding strand, the complement: HOXB13 is on the minus strand). VCF-style: chr17-48726987-G-A. GRCh37 (hg19) VCF-style: chr17-46804349-G-A.
Other names: short protein forms R220C.
Identifiers: ClinVar variation 1399591 (VCV001399591.11), dbSNP rs2143067303, ClinGen allele CA400106809.